The following is an entry in ClinVar:

NM_001378615.1(CC2D2A):c.4065+28A>T

Genes: CC2D2A (coiled-coil and C2 domain containing 2A; plus strand), FBXL5 (F-box and leucine rich repeat protein 5; minus strand). Cytogenetic location: 4p15.32.
Variant type: single nucleotide variant.
Coding change: c.4065+28A>T on transcript NM_001378615.1 (MANE Select); 28 bases into the intron after coding-DNA position 4065, A replaced by T.
Molecular consequence: intron variant.
Genome position (GRCh38, 1-based): chr4:15,586,274, A>T. VCF-style: chr4-15586274-A-T. GRCh37 (hg19) VCF-style: chr4-15587897-A-T.
Other names: p.?; c.4065+28A>T (NM_001080522.2); c.3918+28A>T (NM_001378617.1).
Identifiers: ClinVar variation 126243 (VCV000126243.14), dbSNP rs6832789, ClinGen allele CA150878.
Genomic context (GRCh38, chr4:15,586,274, plus strand): 5'-GGTGGTATCTGTGACCTCTGGAGCACATCTGATGTAAGTAGTTCTTCTTCACAGATTTAG[A>T]AACTTGAGCTGACTTAATGAAATATTAGCTAACTGACTTGCATAATTTTAAATTGCAACA-3'

ClinVar aggregate classification (germline): Benign. Review status: criteria provided, multiple submitters, no conflicts (2 of 4 stars). 7 submissions from 6 submitters: Benign (6). 1 of the submissions does not count toward it. Last evaluated 2022-05-05.

Conditions:
Meckel syndrome, type 6. Identifiers: Orphanet 564, MedGen C2676790, MONDO:0012848, OMIM 612284.
Joubert syndrome 9 (JBTS9). Identifiers: Orphanet 2318, MedGen C2676788, MONDO:0012849, OMIM 612285.

Allele frequency attached by ClinVar (database versions not stated): 1000 Genomes Project 30x 0.94582; 1000 Genomes Project 0.94888; TOPMed 0.95307; gnomAD 0.95451 and 0.95746; gnomAD exomes 0.98971 and 0.99621; ESP Exome Variant Server 0.95780; ExAC 0.98751.
gnomAD v4.1: 1,383,583 of 1,395,038 alleles (99%); highest among the groups gnomAD compares: East Asian, 100%; 686,809 homozygotes.

Submissions (7):

Mayo Clinic Laboratories, Mayo Clinic
Classification: Benign. Last evaluated: 2022-05-05. Review status: criteria provided, single submitter. Criteria: ACMG Guidelines, 2015. Collection method: clinical testing. Allele origin: germline. Observed: 533 variant alleles.

Genome-Nilou Lab
Classification: Benign for Joubert syndrome 9. Last evaluated: 2021-07-14. Review status: criteria provided, single submitter. Criteria: ACMG Guidelines, 2015. Collection method: clinical testing. Allele origin: germline. Affected: no.

Genome-Nilou Lab
Classification: Benign for Meckel syndrome, type 6. Last evaluated: 2021-07-14. Review status: criteria provided, single submitter. Criteria: ACMG Guidelines, 2015. Collection method: clinical testing. Allele origin: germline. Affected: no.

GeneDx
Classification: Benign. Last evaluated: 2018-06-26. Review status: criteria provided, single submitter. Criteria: GeneDx Variant Classification Process June 2021. Collection method: clinical testing. Allele origin: germline. Affected: yes.

Breakthrough Genomics
Classification: Benign. Review status: criteria provided, single submitter. Criteria: ACMG Guidelines, 2015. Collection method: not provided. Allele origin: germline. Inheritance: Autosomal recessive inheritance. Affected: yes.

PreventionGenetics, part of Exact Sciences
Classification: Benign. Review status: criteria provided, single submitter. Criteria: ACMG Guidelines, 2015. Collection method: clinical testing. Allele origin: germline.

Genetic Services Laboratory, University of Chicago
Classification: Likely benign for AllHighlyPenetrant. Review status: no assertion criteria provided. Collection method: clinical testing. Allele origin: germline. Inheritance: Autosomal recessive inheritance. Observed: 347 variant alleles. Not counted in ClinVar's aggregate classification.
Comment: Likely benign based on allele frequency in 1000 Genomes Project or ESP global frequency and its presence in a patient with a rare or unrelated disease phenotype. NOT Sanger confirmed.